The following is an entry in ClinVar:

NM_017838.4(NHP2):c.157A>G (p.Lys53Glu)

Gene: NHP2 (NHP2 ribonucleoprotein; minus strand). Cytogenetic location: 5q35.3.
Variant type: single nucleotide variant.
Coding change: c.157A>G on transcript NM_017838.4 (MANE Select); coding-DNA position 157, A replaced by G.
Protein change: p.Lys53Glu; replaces lysine 53 with glutamic acid.
Molecular consequence: missense variant.
Genome position (GRCh38, 1-based): chr5:178,153,661, T>C on the plus strand (A>G on the coding strand, the complement: NHP2 is on the minus strand). VCF-style: chr5-178153661-T-C. GRCh37 (hg19) VCF-style: chr5-177580662-T-C.
Other names: c.157A>G, p.Lys53Glu (NM_001034833.2, NM_001396110.1); short protein forms K53E.
Identifiers: ClinVar variation 2730592 (VCV002730592.3), dbSNP rs2480691698, ClinGen allele CA362392729.
Genomic context (GRCh38, chr5:178,153,661, plus strand): 5'-ACCCGCGCACCCATCCCACCCGCGCACCCATCCCGGCCACGCCGCCGTCCGCCTCACCTT[T>C]CTTGATGCATTTGTAGAGCTTCCGCGTGAGGCGGCGAGAAGCCAGGGGCTGCGCGATGGG-3'
Protein context (NP_060308.1, residues 43-63): LTRKLYKCIK[Lys53Glu]AVKQKQIRRG

ClinVar aggregate classification (germline): Uncertain significance (1 of 4 stars; one submission).

Conditions:
Dyskeratosis congenita. Identifiers: Orphanet 1775, MedGen C0265965, MONDO:0015780.

Allele frequency attached by ClinVar (database versions not stated): gnomAD exomes below 0.00001.
gnomAD v4.1: 1 of 1,613,808 alleles (0.000062%); highest among the groups gnomAD compares: Non-Finnish European, 0.000085%; no homozygotes.

Submission:

Labcorp Genetics (formerly Invitae), Labcorp
Classification: Uncertain significance for Dyskeratosis congenita. Last evaluated: 2023-05-10. Review status: criteria provided, single submitter. Criteria: Invitae Variant Classification Sherloc (09022015). Collection method: clinical testing. Allele origin: germline.
Comment: In summary, the available evidence is currently insufficient to determine the role of this variant in disease. Therefore, it has been classified as a Variant of Uncertain Significance. An algorithm developed to predict the effect of missense changes on protein structure and function (PolyPhen-2) suggests that this variant is likely to be tolerated. This variant has not been reported in the literature in individuals affected with NHP2-related conditions. This variant is not present in population databases (gnomAD no frequency). This sequence change replaces lysine, which is basic and polar, with glutamic acid, which is acidic and polar, at codon 53 of the NHP2 protein (p.Lys53Glu).